The following is an entry in ClinVar:

NM_005045.4(RELN):c.8009T>C (p.Met2670Thr)

Gene: RELN (reelin; minus strand). Cytogenetic location: 7q22.1.
Variant type: single nucleotide variant.
Coding change: c.8009T>C on transcript NM_005045.4 (MANE Select); coding-DNA position 8009, T replaced by C.
Protein change: p.Met2670Thr; replaces methionine 2670 with threonine.
Molecular consequence: missense variant.
Genome position (GRCh38, 1-based): chr7:103,515,295, A>G on the plus strand (T>C on the coding strand, the complement: RELN is on the minus strand). VCF-style: chr7-103515295-A-G. GRCh37 (hg19) VCF-style: chr7-103155742-A-G.
Other names: c.8009T>C, p.Met2670Thr (NM_173054.3); short protein forms M2670T.
Identifiers: ClinVar variation 1479713 (VCV001479713.12), dbSNP rs550287694, ClinGen allele CA368763034.

ClinVar aggregate classification (germline): Uncertain significance. Review status: criteria provided, multiple submitters, no conflicts (2 of 4 stars). 2 submissions from 2 submitters: Uncertain significance (2). Last evaluated 2026-04-01.

Conditions:
Familial temporal lobe epilepsy 7. Identifiers: Orphanet 101046, MedGen C4225327, MONDO:0014639, OMIM 616436.
Norman-Roberts syndrome (LIS2). Also called: Lissencephaly 2 (Norman-Roberts type). Identifiers: Orphanet 89844, MedGen C0796089, MONDO:0009760, OMIM 257320.

gnomAD v4.1: 3 of 1,614,206 alleles (0.00019%); highest among the groups gnomAD compares: Non-Finnish European, 0.00017%; no homozygotes.

Submissions (2):

CeGaT Center for Human Genetics Tuebingen
Classification: Uncertain significance. Last evaluated: 2026-04-01. Review status: criteria provided, single submitter. Criteria: CeGaT Center For Human Genetics Tuebingen Variant Classification Criteria Version 2. Collection method: clinical testing. Allele origin: germline. Affected: yes. Observed: 1 variant allele.

Labcorp Genetics (formerly Invitae), Labcorp
Classification: Uncertain significance for Familial temporal lobe epilepsy 7; Norman-Roberts syndrome. Last evaluated: 2022-07-12. Review status: criteria provided, single submitter. Criteria: Invitae Variant Classification Sherloc (09022015). Collection method: clinical testing. Allele origin: germline.
Comment: In summary, the available evidence is currently insufficient to determine the role of this variant in disease. Therefore, it has been classified as a Variant of Uncertain Significance. This variant has not been reported in the literature in individuals affected with RELN-related conditions. ClinVar contains an entry for this variant (Variation ID: 1479713). Algorithms developed to predict the effect of missense changes on protein structure and function (SIFT, PolyPhen-2, Align-GVGD) all suggest that this variant is likely to be tolerated. This sequence change replaces methionine, which is neutral and non-polar, with threonine, which is neutral and polar, at codon 2670 of the RELN protein (p.Met2670Thr). This variant is not present in population databases (gnomAD no frequency).